The following is an entry in ClinVar:

ClinVar aggregate classification (germline): Uncertain significance (1 of 4 stars; one submission).

Allele frequency attached by ClinVar (database versions not stated): gnomAD exomes below 0.00001.
gnomAD v4.1: 1 of 1,611,826 alleles (0.000062%); highest among the groups gnomAD compares: South Asian, 0.0011%; no homozygotes.

Submission:

Labcorp Genetics (formerly Invitae), Labcorp
Classification: Uncertain significance. Last evaluated: 2023-12-01. Review status: criteria provided, single submitter. Criteria: Invitae Variant Classification Sherloc (09022015). Collection method: clinical testing. Allele origin: germline.
Comment: This sequence change replaces alanine, which is neutral and non-polar, with proline, which is neutral and non-polar, at codon 105 of the ZNF513 protein (p.Ala105Pro). This variant is not present in population databases (gnomAD no frequency). This variant has not been reported in the literature in individuals affected with ZNF513-related conditions. An algorithm developed to predict the effect of missense changes on protein structure and function (PolyPhen-2) suggests that this variant is likely to be disruptive. In summary, the available evidence is currently insufficient to determine the role of this variant in disease. Therefore, it has been classified as a Variant of Uncertain Significance.

NM_144631.6(ZNF513):c.313G>C (p.Ala105Pro)

Gene: ZNF513 (zinc finger protein 513; minus strand). Cytogenetic location: 2p23.3.
Variant type: single nucleotide variant.
Coding change: c.313G>C on transcript NM_144631.6 (MANE Select); coding-DNA position 313, G replaced by C.
Protein change: p.Ala105Pro; replaces alanine 105 with proline.
Molecular consequence: missense variant.
Genome position (GRCh38, 1-based): chr2:27,378,953, C>G on the plus strand (G>C on the coding strand, the complement: ZNF513 is on the minus strand). VCF-style: chr2-27378953-C-G. GRCh37 (hg19) VCF-style: chr2-27601820-C-G.
Other names: c.127G>C, p.Ala43Pro (NM_001201459.2); short protein forms A43P, A105P.
Identifiers: ClinVar variation 2700151 (VCV002700151.3), dbSNP rs2465625803, ClinGen allele CA346218623.